The following is an entry in ClinVar:

NM_007254.4(PNKP):c.1517G>A (p.Trp506Ter)

Gene: PNKP (polynucleotide kinase 3'-phosphatase; minus strand). Cytogenetic location: 19q13.33.
Variant type: single nucleotide variant.
Coding change: c.1517G>A on transcript NM_007254.4 (MANE Select); coding-DNA position 1517, G replaced by A.
Protein change: p.Trp506Ter; replaces tryptophan 506 with a stop codon.
Molecular consequence: nonsense.
Genome position (GRCh38, 1-based): chr19:49,861,297, C>T on the plus strand (G>A on the coding strand, the complement: PNKP is on the minus strand). VCF-style: chr19-49861297-C-T. GRCh37 (hg19) VCF-style: chr19-50364554-C-T.
Other names: short protein forms W506*.
Identifiers: ClinVar variation 1312824 (VCV001312824.5), dbSNP rs778043139, ClinGen allele CA9586319.

ClinVar aggregate classification (germline): Conflicting classifications of pathogenicity. Review status: criteria provided, conflicting classifications (1 of 4 stars). 2 submissions from 2 submitters: Pathogenic (1); Uncertain significance (1). Last evaluated 2023-10-17.

Conditions:
Developmental and epileptic encephalopathy, 12 (DEE12). Identifiers: MedGen C3150988, MONDO:0013389, OMIM 613722.

Allele frequency attached by ClinVar (database versions not stated): gnomAD exomes below 0.00001; ExAC 0.00001; TOPMed 0.00002; gnomAD 0.00003.
gnomAD v4.1: 5 of 1,613,946 alleles (0.00031%); highest among the groups gnomAD compares: African/African-American, 0.0053%; no homozygotes.

Submissions (2):

Labcorp Genetics (formerly Invitae), Labcorp
Classification: Pathogenic for Developmental and epileptic encephalopathy, 12. Last evaluated: 2023-10-17. Review status: criteria provided, single submitter. Criteria: Invitae Variant Classification Sherloc (09022015). Collection method: clinical testing. Allele origin: germline.
Comment: This sequence change creates a premature translational stop signal (p.Trp506*) in the PNKP gene. While this is not anticipated to result in nonsense mediated decay, it is expected to disrupt the last 16 amino acid(s) of the PNKP protein. This variant is present in population databases (rs778043139, gnomAD 0.007%). This variant has not been reported in the literature in individuals affected with PNKP-related conditions. ClinVar contains an entry for this variant (Variation ID: 1312824). This variant disrupts a region of the PNKP protein in which other variant(s) (p.Gln517*) have been determined to be pathogenic (PMID: 30039206). This suggests that this is a clinically significant region of the protein, and that variants that disrupt it are likely to be disease-causing. For these reasons, this variant has been classified as Pathogenic.

GeneDx
Classification: Uncertain significance. Last evaluated: 2020-06-24. Review status: criteria provided, single submitter. Criteria: GeneDx Variant Classification Process June 2021. Collection method: clinical testing. Allele origin: germline. Affected: yes.
Comment: Not observed at a significant frequency in large population cohorts (Lek et al., 2016); Nonsense variant predicted to result in protein truncation as the last 16 amino acids are lost, although loss-of-function variants have not been reported downstream of this position in the protein; Has not been previously published as pathogenic or benign to our knowledge

Literature cited by the submitters: PubMed 30039206 (cited by Labcorp Genetics (formerly Invitae), Labcorp).